The following is an entry in ClinVar:

NM_006231.4(POLE):c.1051G>A (p.Val351Ile)

Gene: POLE (DNA polymerase epsilon, catalytic subunit; minus strand). Cytogenetic location: 12q24.33.
Variant type: single nucleotide variant.
Coding change: c.1051G>A on transcript NM_006231.4 (MANE Select); coding-DNA position 1051, G replaced by A.
Protein change: p.Val351Ile; replaces valine 351 with isoleucine.
Molecular consequence: missense variant.
Genome position (GRCh38, 1-based): chr12:132,675,790, C>T on the plus strand (G>A on the coding strand, the complement: POLE is on the minus strand). VCF-style: chr12-132675790-C-T. GRCh37 (hg19) VCF-style: chr12-133252376-C-T.
Other names: short protein forms V351I.
Identifiers: ClinVar variation 240373 (VCV000240373.22), dbSNP rs759414746, ClinGen allele CA6894097.

ClinVar aggregate classification (germline): Conflicting classifications of pathogenicity. Review status: criteria provided, conflicting classifications (1 of 4 stars). 6 submissions from 6 submitters: Uncertain significance (5); Likely benign (1). Last evaluated 2026-01-18.

Conditions:
POLD1-related polyposis and colorectal cancer syndrome (CRCS10). Also called: COLORECTAL CANCER, SUSCEPTIBILITY TO, ON CHROMOSOME 19q; Colorectal cancer 10; Colorectal cancer, susceptibility to, 10. Identifiers: Orphanet 220460, MedGen C2675481, MONDO:0012953, OMIM 612591.
Hereditary cancer-predisposing syndrome. Also called: Hereditary Cancer Syndrome; Neoplastic Syndromes, Hereditary; Hereditary neoplastic syndrome; Tumor predisposition. Identifiers: Orphanet 140162, MedGen C0027672, MeSH D009386, MONDO:0015356.

Allele frequency attached by ClinVar (database versions not stated): gnomAD 0.00001; TOPMed 0.00003.
gnomAD v4.1: 20 of 1,614,028 alleles (0.0012%); highest among the groups gnomAD compares: East Asian, 0.0022%; no homozygotes.

Submissions (6):

Labcorp Genetics (formerly Invitae), Labcorp
Classification: Uncertain significance. Last evaluated: 2026-01-18. Review status: criteria provided, single submitter. Criteria: Invitae Variant Classification Sherloc (09022015). Collection method: clinical testing. Allele origin: germline.
Comment: This sequence change replaces valine, which is neutral and non-polar, with isoleucine, which is neutral and non-polar, at codon 351 of the POLE protein (p.Val351Ile). This variant is present in population databases (rs759414746, gnomAD 0.006%). This variant has not been reported in the literature in individuals affected with POLE-related conditions. ClinVar contains an entry for this variant (Variation ID: 240373). Invitae Evidence Modeling of protein sequence and biophysical properties (such as structural, functional, and spatial information, amino acid conservation, physicochemical variation, residue mobility, and thermodynamic stability) indicates that this missense variant is not expected to disrupt POLE protein function with a negative predictive value of 80%. In summary, the available evidence is currently insufficient to determine the role of this variant in disease. Therefore, it has been classified as a Variant of Uncertain Significance.

Molecular Pathology, Peter Maccallum Cancer Centre
Classification: Uncertain significance for POLD1-related polyposis and colorectal cancer syndrome. Last evaluated: 2024-06-30. Review status: criteria provided, single submitter. Criteria: ACMG Guidelines, 2015. Collection method: clinical testing. Allele origin: germline. Inheritance: Autosomal dominant inheritance.

GeneDx
Classification: Uncertain significance. Last evaluated: 2023-07-26. Review status: criteria provided, single submitter. Criteria: GeneDx Variant Classification Process June 2021. Collection method: clinical testing. Allele origin: germline. Affected: yes.
Comment: Has not been previously published as pathogenic or benign to our knowledge; In silico analysis supports that this missense variant does not alter protein structure/function; Not observed at significant frequency in large population cohorts (gnomAD); This variant is associated with the following publications: (PMID: 20951805, 29618732)

Quest Diagnostics Nichols Institute San Juan Capistrano
Classification: Uncertain significance. Last evaluated: 2019-03-12. Review status: criteria provided, single submitter. Criteria: Quest Diagnostics criteria. Collection method: clinical testing. Allele origin: germline.

Ambry Genetics
Classification: Likely benign for Hereditary cancer-predisposing syndrome. Last evaluated: 2018-10-02. Review status: criteria provided, single submitter. Criteria: Ambry Variant Classification Scheme 2023. Collection method: clinical testing. Allele origin: germline.

Laboratory for Molecular Medicine, Mass General Brigham Personalized Medicine
Classification: Uncertain significance. Last evaluated: 2016-10-26. Review status: criteria provided, single submitter. Criteria: LMM Criteria. Collection method: clinical testing. Allele origin: germline.
Comment: Variant identified in a genome or exome case(s) and assessed due to predicted null impact of the variant or pathogenic assertions in the literature or databases. Disclaimer: This variant has not undergone full assessment. The following are preliminary notes: This variant has not been reported in affected individuals. It is classified in ClinVar with 1 star as VUS by Invitae. It is present in ExAC at a MaxMAF of 0.01%. AA is not conserved - Ile is present in 23 species, including 17 mammals.